The following is an entry in ClinVar:

NM_001082486.2(ACD):c.725C>T (p.Pro242Leu)

Gene: ACD (ACD shelterin complex subunit and telomerase recruitment factor; minus strand). Cytogenetic location: 16q22.1.
Variant type: single nucleotide variant.
Coding change: c.725C>T on transcript NM_001082486.2 (MANE Select); coding-DNA position 725, C replaced by T.
Protein change: p.Pro242Leu; replaces proline 242 with leucine.
Molecular consequence: missense variant.
Genome position (GRCh38, 1-based): chr16:67,658,737, G>A on the plus strand (C>T on the coding strand, the complement: ACD is on the minus strand). VCF-style: chr16-67658737-G-A. GRCh37 (hg19) VCF-style: chr16-67692640-G-A.
Other names: c.725C>T, p.Pro242Leu (LRG_1237t1); c.716C>T, p.Pro239Leu (NM_022914.3); short protein forms P239L, P242L.
Identifiers: ClinVar variation 434070 (VCV000434070.12), dbSNP rs139256582, ClinGen allele CA8114558.

ClinVar aggregate classification (germline): Uncertain significance. Review status: criteria provided, multiple submitters, no conflicts (2 of 4 stars). 2 submissions from 2 submitters: Uncertain significance (2). Last evaluated 2024-04-01.

Conditions:
Dyskeratosis congenita, autosomal dominant 6 (DKCA6). Identifiers: Orphanet 3322, MedGen C4225284, MONDO:0014690, OMIM 616553.

Allele frequency attached by ClinVar (database versions not stated): ExAC 0.00001; gnomAD 0.00001; gnomAD exomes 0.00002 and 0.00004; TOPMed 0.00002; ESP Exome Variant Server 0.00015.
gnomAD v4.1: 55 of 1,612,462 alleles (0.0034%); highest among the groups gnomAD compares: Non-Finnish European, 0.0047%; no homozygotes.

Submissions (2):

Labcorp Genetics (formerly Invitae), Labcorp
Classification: Uncertain significance for Dyskeratosis congenita, autosomal dominant 6. Last evaluated: 2024-04-01. Review status: criteria provided, single submitter. Criteria: Invitae Variant Classification Sherloc (09022015). Collection method: clinical testing. Allele origin: germline.
Comment: This sequence change replaces proline, which is neutral and non-polar, with leucine, which is neutral and non-polar, at codon 328 of the ACD protein (p.Pro328Leu). This variant is present in population databases (rs139256582, gnomAD 0.004%). This variant has not been reported in the literature in individuals affected with ACD-related conditions. ClinVar contains an entry for this variant (Variation ID: 434070). Advanced modeling of protein sequence and biophysical properties (such as structural, functional, and spatial information, amino acid conservation, physicochemical variation, residue mobility, and thermodynamic stability) performed at Invitae indicates that this missense variant is not expected to disrupt ACD protein function with a negative predictive value of 80%. In summary, the available evidence is currently insufficient to determine the role of this variant in disease. Therefore, it has been classified as a Variant of Uncertain Significance.

Genetic Services Laboratory, University of Chicago
Classification: Uncertain significance. Last evaluated: 2016-10-14. Review status: criteria provided, single submitter. Criteria: ACMG Guidelines, 2015. Collection method: clinical testing. Allele origin: germline. Affected: no.